The following is an entry in ClinVar:

NM_001844.5(COL2A1):c.2863G>A (p.Glu955Lys)

Gene: COL2A1 (collagen type II alpha 1 chain; minus strand). Cytogenetic location: 12q13.11.
Variant type: single nucleotide variant.
Coding change: c.2863G>A on transcript NM_001844.5 (MANE Select); coding-DNA position 2863, G replaced by A.
Protein change: p.Glu955Lys; replaces glutamic acid 955 with lysine.
Molecular consequence: missense variant.
Genome position (GRCh38, 1-based): chr12:47,978,629, C>T on the plus strand (G>A on the coding strand, the complement: COL2A1 is on the minus strand). VCF-style: chr12-47978629-C-T. GRCh37 (hg19) VCF-style: chr12-48372412-C-T.
Other names: c.2656G>A, p.Glu886Lys (NM_033150.3); short protein forms E886K, E955K.
Identifiers: ClinVar variation 2063236 (VCV002063236.4), dbSNP rs1373299848, ClinGen allele CA384541925.
Genomic context (GRCh38, chr12:47,978,629, plus strand): 5'-CTTGGCATGGGCCTGGTGAGGGACTTACAGAGGGACCGTCATCTCCAGGCTCTCCCTTCT[C>T]GCCAGGGGGTCCAGCAGGACCTTGGAGGCCGGGTTCACCAGCTCGGCCAGGGGGGCCGCT-3'
Protein context (NP_001835.3, residues 945-965): GLQGPAGPPG[Glu955Lys]KGEPGDDGPS

ClinVar aggregate classification (germline): Uncertain significance (1 of 4 stars; one submission).

Allele frequency attached by ClinVar (database versions not stated): gnomAD exomes below 0.00001; gnomAD 0.00001; TOPMed 0.00001.
gnomAD v4.1: 2 of 1,613,434 alleles (0.00012%); highest among the groups gnomAD compares: East Asian, 0.0022%; no homozygotes.

Submission:

Labcorp Genetics (formerly Invitae), Labcorp
Classification: Uncertain significance. Last evaluated: 2023-08-10. Review status: criteria provided, single submitter. Criteria: Invitae Variant Classification Sherloc (09022015). Collection method: clinical testing. Allele origin: germline.
Comment: In summary, the available evidence is currently insufficient to determine the role of this variant in disease. Therefore, it has been classified as a Variant of Uncertain Significance. Advanced modeling of protein sequence and biophysical properties (such as structural, functional, and spatial information, amino acid conservation, physicochemical variation, residue mobility, and thermodynamic stability) performed at Invitae indicates that this missense variant is expected to disrupt COL2A1 protein function. This variant has not been reported in the literature in individuals affected with COL2A1-related conditions. This variant is not present in population databases (gnomAD no frequency). This sequence change replaces glutamic acid, which is acidic and polar, with lysine, which is basic and polar, at codon 955 of the COL2A1 protein (p.Glu955Lys).